The following is an entry in ClinVar:

ClinVar aggregate classification (germline): Benign (1 of 4 stars; one submission).

Submission:

Laboratory for Molecular Medicine, Mass General Brigham Personalized Medicine
Classification: Benign. Last evaluated: 2013-09-05. Review status: criteria provided, single submitter. Criteria: LMM Criteria. Collection method: clinical testing. Allele origin: germline. Observed: 7 variant alleles.
Comment: The m.1007G>A in MT-RNR1: This variant is not expected to have clinical signific ance because it was identified in 4.56% (122/2675) haplogroups by the MitoMap Pr oject.

NC_012920.1(MT-RNR1):m.1007G>A

Gene: MT-RNR1 (mitochondrially encoded 12S RNA; plus strand).
Variant type: single nucleotide variant.
Genome position: chrM-1007-G-A.
Identifiers: ClinVar variation 42202 (VCV000042202.4), dbSNP rs111033213, ClinGen allele CA130990.